The following is an entry in ClinVar:

NM_153704.6(TMEM67):c.63C>T (p.Ala21=)

Gene: TMEM67 (transmembrane protein 67; plus strand). Cytogenetic location: 8q22.1.
Variant type: single nucleotide variant.
Coding change: c.63C>T on transcript NM_153704.6 (MANE Select); coding-DNA position 63, C replaced by T.
Protein change: p.Ala21=; no amino-acid change (alanine 21 retained).
Molecular consequence: synonymous variant. On other transcripts: non-coding transcript variant (1), intron variant (1).
Genome position (GRCh38, 1-based): chr8:93,754,977, C>T. VCF-style: chr8-93754977-C-T. GRCh37 (hg19) VCF-style: chr8-94767205-C-T.
Other names: c.-179-43C>T (NM_001142301.1).
Identifiers: ClinVar variation 2658688 (VCV002658688.25), dbSNP rs1385250935, ClinGen allele CA462116646.

ClinVar aggregate classification (germline): Likely benign. Review status: criteria provided, multiple submitters, no conflicts (2 of 4 stars). 2 submissions from 2 submitters: Likely benign (2). Last evaluated 2025-08-04.

Conditions:
TMEM67-related disorder. Also called: TMEM67-related condition; TMEM67-related disorders. Identifiers: MedGen CN239423.

gnomAD v4.1: 1 of 1,614,154 alleles (0.000062%); highest among the groups gnomAD compares: Non-Finnish European, 0.000085%; no homozygotes.

Submissions (2):

PreventionGenetics, part of Exact Sciences
Classification: Likely benign for TMEM67-related condition. Last evaluated: 2025-08-04. Review status: criteria provided, single submitter. Criteria: ACMG Guidelines, 2015. Collection method: clinical testing. Allele origin: germline.
Comment: This variant is classified as likely benign based on ACMG/AMP sequence variant interpretation guidelines (Richards et al. 2015 PMID: 25741868, with internal and published modifications).

CeGaT Center for Human Genetics Tuebingen
Classification: Likely benign. Last evaluated: 2023-06-01. Review status: criteria provided, single submitter. Criteria: CeGaT Center For Human Genetics Tuebingen Variant Classification Criteria Version 2. Collection method: clinical testing. Allele origin: germline. Affected: yes. Observed: 1 variant allele.
Comment: TMEM67: PM2:Supporting, BP4, BP7